The following is an entry in ClinVar:

NM_000744.7(CHRNA4):c.189C>T (p.Leu63=)

Gene: CHRNA4 (cholinergic receptor nicotinic alpha 4 subunit; minus strand). Cytogenetic location: 20q13.33.
Variant type: single nucleotide variant.
Coding change: c.189C>T on transcript NM_000744.7 (MANE Select); coding-DNA position 189, C replaced by T.
Protein change: p.Leu63=; no amino-acid change (leucine 63 retained).
Molecular consequence: synonymous variant. On other transcripts: 5 prime UTR variant (1), non-coding transcript variant (1).
Genome position (GRCh38, 1-based): chr20:63,359,587, G>A on the plus strand (C>T on the coding strand, the complement: CHRNA4 is on the minus strand). VCF-style: chr20-63359587-G-A. GRCh37 (hg19) VCF-style: chr20-61990939-G-A.
Other names: p.Leu63=; c.-358C>T (NM_001256573.2).
Identifiers: ClinVar variation 128747 (VCV000128747.30), dbSNP rs2273506, ClinGen allele CA152383.
Genomic context (GRCh38, chr20:63,359,587, plus strand): 5'-GATGGCCACGCCCTCACCTACCACGTCAATGAGCTGAGCGATGGACAGGCCGAAGCGGAC[G>A]AGGACCACGTCCGAGATGTTGGCCACGGGTCGGGACCACTTGTTGTAACCGGAGAAGAGT-3'
Protein context (NP_000735.1, residues 53-73): RPVANISDVV[Leu63=]VRFGLSIAQL

ClinVar aggregate classification (germline): Benign. Review status: criteria provided, multiple submitters, no conflicts (2 of 4 stars). 13 submissions from 13 submitters: Benign (11). 2 of the submissions do not count toward it. Last evaluated 2026-02-03.

Conditions:
Familial sleep-related hypermotor epilepsy. Also called: Autosomal Dominant Sleep-Related Hypermotor (Hyperkinetic) Epilepsy. Identifiers: Orphanet 98784, MedGen C3696898, MONDO:0000030.
Inborn genetic diseases. Identifiers: MedGen C0950123, MeSH D030342.
Autosomal dominant nocturnal frontal lobe epilepsy 1. Also called: EPILEPSY, NOCTURNAL FRONTAL LOBE, TYPE 1; CHRNA4-Related Nocturnal Frontal Lobe Epilepsy, Autosomal Dominant. Identifiers: Orphanet 98784, MedGen C1838049, MONDO:0010899, OMIM 600513.

Allele frequency attached by ClinVar (database versions not stated): gnomAD exomes 0.07725 and 0.09237; ESP Exome Variant Server 0.09262; gnomAD 0.09394 and 0.09576; TOPMed 0.09419; ExAC 0.09701; 1000 Genomes Project 0.11402; 1000 Genomes Project 30x 0.11493.
gnomAD v4.1: 127,836 of 1,612,634 alleles (7.9%); highest among the groups gnomAD compares: Middle Eastern, 17%; 5,925 homozygotes.

Submissions (13):

Labcorp Genetics (formerly Invitae), Labcorp
Classification: Benign. Last evaluated: 2026-02-03. Review status: criteria provided, single submitter. Criteria: Invitae Variant Classification Sherloc (09022015). Collection method: clinical testing. Allele origin: germline.

Blueprint Genetics
Classification: Benign. Last evaluated: 2024-11-28. Review status: criteria provided, single submitter. Criteria: ACMG Guidelines, 2015. Collection method: clinical testing. Allele origin: germline.

Unidad de Genómica Garrahan, Hospital de Pediatría Garrahan
Classification: Benign. Last evaluated: 2024-07-15. Review status: criteria provided, single submitter. Criteria: ACMG Guidelines, 2015. Collection method: clinical testing. Allele origin: germline. Affected: no. Observed: 20 variant alleles.
Comment: This variant is classified as Benign based on local population frequency. This variant was detected in 22% of patients studied in a panel designed for Epileptic and Developmental Encephalopathy and Progressive Myoclonus Epilepsy. Number of patients: 20. Only high quality variants are reported.

Genome-Nilou Lab
Classification: Benign for Autosomal dominant nocturnal frontal lobe epilepsy 1. Last evaluated: 2021-07-22. Review status: criteria provided, single submitter. Criteria: ACMG Guidelines, 2015. Collection method: clinical testing. Allele origin: germline. Affected: no.

Mayo Clinic Laboratories, Mayo Clinic
Classification: Benign. Last evaluated: 2018-04-10. Review status: criteria provided, single submitter. Criteria: ACMG Guidelines, 2015. Collection method: clinical testing. Allele origin: germline. Observed: 107 variant alleles.

Athena Diagnostics
Classification: Benign for Autosomal dominant nocturnal frontal lobe epilepsy 1. Last evaluated: 2017-04-11. Review status: criteria provided, single submitter. Criteria: Athena Diagnostics Criteria. Collection method: clinical testing. Allele origin: germline.

Ambry Genetics
Classification: Benign for Inborn genetic diseases. Last evaluated: 2016-03-02. Review status: criteria provided, single submitter. Criteria: Ambry Variant Classification Scheme 2023. Collection method: clinical testing. Allele origin: germline.

GeneDx
Classification: Benign. Last evaluated: 2015-03-03. Review status: criteria provided, single submitter. Criteria: GeneDx Variant Classification Process June 2021. Collection method: clinical testing. Allele origin: germline. Affected: yes.

Genome Diagnostics Laboratory, University Medical Center Utrecht
Classification: Benign for Autosomal dominant nocturnal frontal lobe epilepsy 1. Last evaluated: 2014-10-10. Review status: criteria provided, single submitter. Criteria: ACGS Guidelines, 2013. Collection method: clinical testing. Allele origin: germline. Affected: yes. Study: VKGL Data-share Consensus.

Breakthrough Genomics
Classification: Benign. Review status: criteria provided, single submitter. Criteria: ACMG Guidelines, 2015. Collection method: not provided. Allele origin: germline. Inheritance: Autosomal dominant inheritance. Affected: yes.

PreventionGenetics, part of Exact Sciences
Classification: Benign. Review status: criteria provided, single submitter. Criteria: ACMG Guidelines, 2015. Collection method: clinical testing. Allele origin: germline.

Diagnostic Laboratory, Department of Genetics, University Medical Center Groningen
Classification: Benign for Autosomal dominant nocturnal frontal lobe epilepsy 1. Review status: no assertion criteria provided. Collection method: clinical testing. Allele origin: germline. Affected: yes. Study: VKGL Data-share Consensus. Not counted in ClinVar's aggregate classification.

Genetic Services Laboratory, University of Chicago
Classification: Likely benign for AllHighlyPenetrant. Review status: no assertion criteria provided. Collection method: clinical testing. Allele origin: germline. Inheritance: Autosomal dominant inheritance. Not counted in ClinVar's aggregate classification.
Comment: Likely benign based on allele frequency in 1000 Genomes Project or ESP global frequency and its presence in a patient with a rare or unrelated disease phenotype. NOT Sanger confirmed.